The following is an entry in ClinVar:

ClinVar aggregate classification (germline): Benign (1 of 4 stars; one submission).

Conditions:
MELAS syndrome (MELAS). Also called: Juvenile myopathy, encephalopathy, lactic acidosis, stroke. Identifiers: Orphanet 550, MedGen C0162671, MONDO:0010789, OMIM 540000.

Submission:

Wong Mito Lab, Molecular and Human Genetics, Baylor College of Medicine
Classification: Benign for MELAS syndrome. Last evaluated: 2019-07-12. Review status: criteria provided, single submitter. Criteria: Modified ACMG Guidelines (Unpublished). Collection method: clinical testing. Allele origin: germline.
Comment: The NC_012920.1:m.12161T>C variant in MT-TH gene is interpreted to be a Benign variant based on the modified ACMG guidelines (unpublished). This variant meets the following evidence codes reported in the guidelines: BS1, BS4, BP4

Literature cited by the submitters: PubMed 31965079.

NC_012920.1(MT-TH):m.12161T>C

Gene: MT-TH (mitochondrially encoded tRNA histidine; plus strand).
Variant type: single nucleotide variant.
Genome position: chrM-12161-T-C.
Identifiers: ClinVar variation 690137 (VCV000690137.1), dbSNP rs386829147, ClinGen allele CA337099405.
Genomic context (GRCh38, chrMT:12,161, plus strand): 5'-TCCCTCAACCCCGACATCATTACCGGGTTTTCCTCTTGTAAATATAGTTTAACCAAAACA[T>C]CAGATTGTGAATCTGACAACAGAGGCTTACGACCCCTTATTTACCGAGAAAGCTCACAAG-3'